The following is an entry in ClinVar:

NM_000548.5(TSC2):c.658C>T (p.Gln220Ter)

Gene: TSC2 (TSC complex subunit 2; plus strand). Cytogenetic location: 16p13.3.
Variant type: single nucleotide variant.
Coding change: c.658C>T on transcript NM_000548.5 (MANE Select); coding-DNA position 658, C replaced by T.
Protein change: p.Gln220Ter; replaces glutamine 220 with a stop codon.
Molecular consequence: nonsense.
Genome position (GRCh38, 1-based): chr16:2,056,653, C>T. VCF-style: chr16-2056653-C-T. GRCh37 (hg19) VCF-style: chr16-2106654-C-T.
Other names: c.658C>T, p.Gln220Ter (NM_001077183.3, NM_001114382.3, NM_001363528.2 and 3 more transcripts); c.547C>T, p.Gln183Ter (NM_001318827.2); c.511C>T, p.Gln171Ter (NM_001318829.2); c.58C>T, p.Gln20Ter (NM_001318831.2); c.691C>T, p.Gln231Ter (NM_001318832.2); short protein forms Q220*, Q183*, Q20*, Q171*, Q231*.
Identifiers: ClinVar variation 49411 (VCV000049411.20), dbSNP rs45517119, ClinGen allele CA022760.

ClinVar aggregate classification (germline): Pathogenic. Review status: criteria provided, multiple submitters, no conflicts (2 of 4 stars). 7 submissions from 7 submitters: Pathogenic (6). 1 of the submissions does not count toward it. Last evaluated 2026-05-01.

Conditions:
Hereditary cancer-predisposing syndrome. Also called: Neoplastic Syndromes, Hereditary; Hereditary neoplastic syndrome; Tumor predisposition; Hereditary Cancer Syndrome. Identifiers: Orphanet 140162, MedGen C0027672, MeSH D009386, MONDO:0015356.
Tuberous sclerosis syndrome (TSC). Also called: Tuberous sclerosis; Tuberous Sclerosis Complex. Identifiers: Orphanet 805, MedGen C0041341, MONDO:0001734.
Tuberous sclerosis 2 (TSC2). Identifiers: Orphanet 805, MedGen C1860707, MONDO:0013199, OMIM 613254.

Submissions (7):

Ambry Genetics
Classification: Pathogenic for Hereditary cancer-predisposing syndrome. Last evaluated: 2026-05-01. Review status: criteria provided, single submitter. Criteria: Ambry Variant Classification Scheme 2023. Collection method: clinical testing. Allele origin: germline.
Comment: The p.Q220* pathogenic mutation (also known as c.658C>T), located in coding exon 7 of the TSC2 gene, results from a C to T substitution at nucleotide position 658. This changes the amino acid from a glutamine to a stop codon within coding exon 7. This variant is considered to be rare based on population cohorts in the Genome Aggregation Database (gnomAD). This alteration is expected to result in loss of function by premature protein truncation or nonsense-mediated mRNA decay. As such, this alteration is interpreted as a disease-causing mutation.

Genomic Medicine Center of Excellence, King Faisal Specialist Hospital and Research Centre
Classification: Pathogenic for Tuberous sclerosis 2. Last evaluated: 2025-09-10. Review status: criteria provided, single submitter. Criteria: ACMG Guidelines, 2015. Collection method: clinical testing. Allele origin: germline.

Labcorp Genetics (formerly Invitae), Labcorp
Classification: Pathogenic for Tuberous sclerosis 2. Last evaluated: 2024-05-27. Review status: criteria provided, single submitter. Criteria: Invitae Variant Classification Sherloc (09022015). Collection method: clinical testing. Allele origin: germline.
Comment: This sequence change creates a premature translational stop signal (p.Gln220*) in the TSC2 gene. It is expected to result in an absent or disrupted protein product. Loss-of-function variants in TSC2 are known to be pathogenic (PMID: 10205261, 17304050). This variant is not present in population databases (gnomAD no frequency). This premature translational stop signal has been observed in individual(s) with TSC2-related conditions (PMID: 21520333). ClinVar contains an entry for this variant (Variation ID: 49411). For these reasons, this variant has been classified as Pathogenic.

Genome-Nilou Lab
Classification: Pathogenic for Tuberous sclerosis 2. Last evaluated: 2021-11-07. Review status: criteria provided, single submitter. Criteria: ACMG Guidelines, 2015. Collection method: clinical testing. Allele origin: germline. Affected: no.

ARUP Laboratories, Molecular Genetics and Genomics, ARUP Laboratories
Classification: Pathogenic. Last evaluated: 2021-07-22. Review status: criteria provided, single submitter. Criteria: ARUP Molecular Germline Variant Investigation Process 2021. Collection method: clinical testing. Allele origin: germline.
Comment: The TSC2 c.658C>T p.Gln220Ter variant (rs45517119), is reported in databases in individuals affected with tuberous sclerosis (Stenson 2012, LOVD). The TSC2 c.658C>T p.Gln220Ter variant is also reported in ClinVar (Variation ID: 49411). This variant is absent from the Genome Aggregation Database, indicating it is not a common polymorphism. This variant induced an early termination codon and is predicted to result in a truncated protein or mRNA subject to nonsense-mediated decay. Based on available information, this variant is considered to be pathogenic.

GeneDx
Classification: Pathogenic. Last evaluated: 2018-10-15. Review status: criteria provided, single submitter. Criteria: GeneDx Variant Classification (06012015). Collection method: clinical testing. Allele origin: germline. Affected: yes.
Comment: The Q220X nonsense variant in the TSC2 gene has been reported previously in association with tuberous sclerosis complex (TSC) (TSC2 LOVD). This pathogenic variant is predicted to cause loss of normal protein function either through protein truncation or nonsense-mediated mRNA decay. The Q220X variant is not observed in large population cohorts (Lek et al., 2016; 1000 Genomes Consortium et al., 2015; Exome Variant Server).

Tuberous sclerosis database (TSC2)
No classification provided. Condition: TSC. Review status: no classification provided. Criteria: Tuberous Sclerosis Database Assertion Criteria 2015. Collection method: curation. Allele origin: germline. Affected: yes. Not counted in ClinVar's aggregate classification.

Literature cited by the submitters: PubMed 10205261 (cited by Labcorp Genetics (formerly Invitae), Labcorp); PubMed 17304050 (cited by Labcorp Genetics (formerly Invitae), Labcorp); PubMed 21520333 (cited by Labcorp Genetics (formerly Invitae), Labcorp).